The following is an entry in ClinVar:

NM_007194.4(CHEK2):c.87_107dup (p.Gly37_Ile38insSerSerSerGlnSerGlnGly)

Gene: CHEK2 (checkpoint kinase 2; minus strand). Cytogenetic location: 22q12.1.
Variant type: Duplication.
Coding change: c.87_107dup on transcript NM_007194.4 (MANE Select); coding-DNA positions 87 to 107, 21 bases duplicated (AGGCTCCTCCTCACAGTCCCA).
Protein change: p.Gly37_Ile38insSerSerSerGlnSerGlnGly.
Molecular consequence: inframe insertion. On other transcripts: inframe indel (3).
Genome position (GRCh38, 1-based): chr22:28,734,615-28,734,635, TGGGACTGTGAGGAGGAGCCT duplicated on the plus strand (AGGCTCCTCCTCACAGTCCCA on the coding strand, the reverse complement: CHEK2 is on the minus strand); duplicating any 21 consecutive bases within chr22:28,734,615-28,734,643 gives the same sequence; the c. name uses the placement nearest the transcript's 3' end. VCF-style (leftmost placement, unchanged base first): chr22-28734614-C-CTGGGACTGTGAGGAGGAGCCT. GRCh37 (hg19) VCF-style: chr22-29130602-C-CTGGGACTGTGAGGAGGAGCCT.
Other names: c.87_107dupAGGCTCCTCCTCACAGTCCCA (NM_007194.3); c.79_99dup, p.Gly37_Ile38insSerSerSerGlnSerGlnGly (NM_001005735.3, NM_001349956.3, NM_145862.3); c.-699_-679dup (NM_001257387.3).
Identifiers: ClinVar variation 483400 (VCV000483400.17), dbSNP rs762863407, ClinGen allele CA10168075.
Genomic context (GRCh38, chr22:28,734,614, plus strand): 5'-GCTGGAGTGAGAGGACTGGCTGGAGTTTGGCATCGTGCTGGTAGAGGAGCTGGATATGCC[C>CTGGGACTGTGAGGAGGAGCCT]TGGGACTGTGAGGAGGAGCCTTGGGACTGGGTAACGCTGCCATGGGGCTGTGAACAGGCA-3'

ClinVar aggregate classification (germline): Uncertain significance. Review status: criteria provided, multiple submitters, no conflicts (2 of 4 stars). 3 submissions from 3 submitters: Uncertain significance (3). Last evaluated 2024-11-10.

Conditions:
Hereditary cancer-predisposing syndrome. Also called: Neoplastic Syndromes, Hereditary; Tumor predisposition; Hereditary Cancer Syndrome; Hereditary neoplastic syndrome. Identifiers: Orphanet 140162, MedGen C0027672, MeSH D009386, MONDO:0015356.
Familial cancer of breast. Also called: BREAST CANCER, FAMILIAL; Hereditary breast cancer; hereditary breast carcinoma. Identifiers: Orphanet 227535, MedGen C0346153, MONDO:0016419, OMIM 114480. Disease mechanism: loss of function.

Submissions (3):

Labcorp Genetics (formerly Invitae), Labcorp
Classification: Uncertain significance for Familial cancer of breast. Last evaluated: 2024-11-10. Review status: criteria provided, single submitter. Criteria: Invitae Variant Classification Sherloc (09022015). Collection method: clinical testing. Allele origin: germline.
Comment: This variant, c.87_107dup, results in the insertion of 7 amino acid(s) of the CHEK2 protein (p.Ser31_Gly37dup), but otherwise preserves the integrity of the reading frame. This variant is present in population databases (rs762863407, gnomAD 0.006%). This variant has not been reported in the literature in individuals affected with CHEK2-related conditions. ClinVar contains an entry for this variant (Variation ID: 483400). In summary, the available evidence is currently insufficient to determine the role of this variant in disease. Therefore, it has been classified as a Variant of Uncertain Significance.

Ambry Genetics
Classification: Uncertain significance for Hereditary cancer-predisposing syndrome. Last evaluated: 2024-11-08. Review status: criteria provided, single submitter. Criteria: Ambry Variant Classification Scheme 2023. Collection method: clinical testing. Allele origin: germline.
Comment: The c.87_107dup21 variant (also known as p.S31_G37dup), located in coding exon 1 of the CHEK2 gene, results from an in-frame duplication of 21 nucleotides at nucleotide positions 87 to 107. This results in the duplication of 7 extra residues (SSSQSQG) between codons 31 and 37. This duplication is located in the SQ/TQ cluster domain of the CHEK2 gene (Matsuoka S, et al. Proc. Natl. Acad. Sci. U.S.A. 2000 Sep; 97(19):10389-94). This amino acid region is not well conserved in available vertebrate species. In addition, this alteration is predicted to be neutral by in silico analysis (Choi Y et al. PLoS ONE. 2012; 7(10):e46688). Based on the available evidence, the clinical significance of this variant remains unclear.

Baylor Genetics
Classification: Uncertain significance for Familial cancer of breast. Last evaluated: 2024-03-24. Review status: criteria provided, single submitter. Criteria: ACMG Guidelines, 2015. Collection method: clinical testing. Allele origin: unknown.

Literature cited by the submitters: PubMed 10973490 (cited by Ambry Genetics).